The following is an entry in ClinVar:

NM_004924.6(ACTN4):c.1442+4C>T

Gene: ACTN4 (actinin alpha 4; plus strand). Cytogenetic location: 19q13.2.
Variant type: single nucleotide variant.
Coding change: c.1442+4C>T on transcript NM_004924.6 (MANE Select); 4 bases into the intron after coding-DNA position 1442, C replaced by T.
Molecular consequence: intron variant.
Genome position (GRCh38, 1-based): chr19:38,721,692, C>T. VCF-style: chr19-38721692-C-T. GRCh37 (hg19) VCF-style: chr19-39212332-C-T.
Other names: c.1442+4C>T (NM_001411143.1, NM_001322033.2).
Identifiers: ClinVar variation 3615528 (VCV003615528.2).

ClinVar aggregate classification (germline): Uncertain significance (1 of 4 stars; one submission).

Submission:

Labcorp Genetics (formerly Invitae), Labcorp
Classification: Uncertain significance. Last evaluated: 2024-07-11. Review status: criteria provided, single submitter. Criteria: Invitae Variant Classification Sherloc (09022015). Collection method: clinical testing. Allele origin: germline.
Comment: This sequence change falls in intron 12 of the ACTN4 gene. It does not directly change the encoded amino acid sequence of the ACTN4 protein. It affects a nucleotide within the consensus splice site. This variant is present in population databases (rs745380705, gnomAD 0.01%). This variant has not been reported in the literature in individuals affected with ACTN4-related conditions. Variants that disrupt the consensus splice site are a relatively common cause of aberrant splicing (PMID: 17576681, 9536098). Algorithms developed to predict the effect of sequence changes on RNA splicing suggest that this variant is not likely to affect RNA splicing. In summary, the available evidence is currently insufficient to determine the role of this variant in disease. Therefore, it has been classified as a Variant of Uncertain Significance.

Literature cited by the submitters: PubMed 17576681; PubMed 9536098.